The following is an entry in ClinVar:

ClinVar aggregate classification (germline): Likely benign (1 of 4 stars; one submission).

Allele frequency attached by ClinVar (database versions not stated): gnomAD 0.00001; gnomAD exomes 0.00001.
gnomAD v4.1: 8 of 1,172,404 alleles (0.00068%); highest among the groups gnomAD compares: Non-Finnish European, 0.00095%; no homozygotes.

Submission:

CeGaT Center for Human Genetics Tuebingen
Classification: Likely benign. Last evaluated: 2024-09-01. Review status: criteria provided, single submitter. Criteria: CeGaT Center For Human Genetics Tuebingen Variant Classification Criteria Version 2. Collection method: clinical testing. Allele origin: germline. Affected: yes. Observed: 2 variant alleles.
Comment: BICRA: BP4, BP7

NM_001394372.1(BICRA):c.2538T>C (p.Pro846=)

Gene: BICRA (BRD4 interacting chromatin remodeling complex associated protein; plus strand). Cytogenetic location: 19q13.33.
Variant type: single nucleotide variant.
Coding change: c.2538T>C on transcript NM_001394372.1 (MANE Select); coding-DNA position 2538, T replaced by C.
Protein change: p.Pro846=; no amino-acid change (proline 846 retained).
Molecular consequence: synonymous variant.
Genome position (GRCh38, 1-based): chr19:47,694,369, T>C. VCF-style: chr19-47694369-T-C. GRCh37 (hg19) VCF-style: chr19-48197626-T-C.
Other names: c.2538T>C, p.Pro846= (NM_015711.3).
Identifiers: ClinVar variation 3067248 (VCV003067248.21), dbSNP rs1199584354, ClinGen allele CA508257976.